The following is an entry in ClinVar:

NM_020708.5(SLC12A5):c.2402G>A (p.Gly801Asp)

Gene: SLC12A5 (solute carrier family 12 member 5; plus strand). Cytogenetic location: 20q13.12.
Variant type: single nucleotide variant.
Coding change: c.2402G>A on transcript NM_020708.5 (MANE Select); coding-DNA position 2402, G replaced by A.
Protein change: p.Gly801Asp; replaces glycine 801 with aspartic acid.
Molecular consequence: missense variant.
Genome position (GRCh38, 1-based): chr20:46,052,981, G>A. VCF-style: chr20-46052981-G-A. GRCh37 (hg19) VCF-style: chr20-44681620-G-A.
Other names: c.2471G>A, p.Gly824Asp (NM_001134771.2); short protein forms G801D, G824D.
Identifiers: ClinVar variation 542319 (VCV000542319.9), dbSNP rs1555867242, ClinGen allele CA409204564.

ClinVar aggregate classification (germline): Uncertain significance (1 of 4 stars; one submission).

Conditions:
Developmental and epileptic encephalopathy, 34 (DEE34). Also called: Early infantile epileptic encephalopathy 34; SLC12A5-Related Epilepsy of Infancy with Migrating Focal Seizures. Identifiers: Orphanet 293181, MedGen C4225257, MONDO:0014718, OMIM 616645.

Submission:

Labcorp Genetics (formerly Invitae), Labcorp
Classification: Uncertain significance for Developmental and epileptic encephalopathy, 34. Last evaluated: 2022-02-03. Review status: criteria provided, single submitter. Criteria: Invitae Variant Classification Sherloc (09022015). Collection method: clinical testing. Allele origin: germline.
Comment: Advanced modeling of protein sequence and biophysical properties (such as structural, functional, and spatial information, amino acid conservation, physicochemical variation, residue mobility, and thermodynamic stability) performed at Invitae indicates that this missense variant is not expected to disrupt SLC12A5 protein function. In summary, the available evidence is currently insufficient to determine the role of this variant in disease. Therefore, it has been classified as a Variant of Uncertain Significance. ClinVar contains an entry for this variant (Variation ID: 542319). This variant has not been reported in the literature in individuals affected with SLC12A5-related conditions. This variant is not present in population databases (gnomAD no frequency). This sequence change replaces glycine, which is neutral and non-polar, with aspartic acid, which is acidic and polar, at codon 801 of the SLC12A5 protein (p.Gly801Asp).